The following is an entry in ClinVar:

NM_001182.5(ALDH7A1):c.1301_1302del (p.Tyr434fs)

Gene: ALDH7A1 (aldehyde dehydrogenase 7 family member A1; minus strand). Cytogenetic location: 5q23.2.
Variant type: Deletion.
Coding change: c.1301_1302del on transcript NM_001182.5 (MANE Select); coding-DNA positions 1301 to 1302, 2 bases deleted (AT; older notation c.1301_1302delAT).
Protein change: p.Tyr434fs; shifts the reading frame from tyrosine 434.
Molecular consequence: frameshift variant.
Genome position (GRCh38, 1-based): chr5:126,552,036-126,552,037, AT deleted on the plus strand (AT on the coding strand, the reverse complement: ALDH7A1 is on the minus strand); deleting any 2 consecutive bases within chr5:126,552,036-126,552,038 gives the same sequence; the c. name uses the placement nearest the transcript's 3' end. VCF-style (leftmost placement, unchanged base first): chr5-126552035-CAT-C. GRCh37 (hg19) VCF-style: chr5-125887727-CAT-C.
Other names: c.1217_1218del, p.Tyr406fs (NM_001201377.2); c.1109_1110del, p.Tyr370fs (NM_001202404.2); short protein forms Y370fs, Y406fs, Y434fs.
Identifiers: ClinVar variation 863921 (VCV000863921.15), dbSNP rs753671880, ClinGen allele CA3389461.
Genomic context (GRCh38, chr5:126,552,035, plus strand): 5'-TATCATTTATTTCAACATCAGGCTAGCGAACAGAATGCATTTTTACCTTGAATTTAAAGA[CAT>C]AGAGAATCGGAGCAAAAGTCTCTGTGTGTGCAATGGACGCATCGTGGCCAAGACCTGTCA-3'

ClinVar aggregate classification (germline): Pathogenic/Likely pathogenic. Review status: criteria provided, multiple submitters, no conflicts (2 of 4 stars). 6 submissions from 6 submitters: Pathogenic (4); Likely pathogenic (2). Last evaluated 2023-04-11.

Conditions:
ALDH7A1-related disorder. Also called: ALDH7A1-related condition.
Pyridoxine-dependent epilepsy (EPEO4). Also called: Pyridoxine-Dependent Seizures; Pyridoxine-Dependent Epilepsy - ALDH7A1; PYRIDOXINE DEPENDENCY WITH SEIZURES; EPILEPSY, EARLY-ONSET, 4, VITAMIN B6-DEPENDENT. Identifiers: Orphanet 3006, MedGen C1849508, MONDO:0009945, OMIM 266100. Disease mechanism: loss of function.

Submissions (6):

Genome-Nilou Lab
Classification: Pathogenic for Pyridoxine-dependent epilepsy. Last evaluated: 2023-04-11. Review status: criteria provided, single submitter. Criteria: ACMG Guidelines, 2015. Collection method: clinical testing. Allele origin: germline. Affected: no.

GeneDx
Classification: Pathogenic. Last evaluated: 2022-10-05. Review status: criteria provided, single submitter. Criteria: GeneDx Variant Classification Process June 2021. Collection method: clinical testing. Allele origin: germline. Affected: yes.
Comment: Observed in other patients with pyridoxine-dependent epilepsy in published literature (Coughlin CR et al., 2019); Frameshift variant predicted to result in protein truncation or nonsense mediated decay in a gene for which loss-of-function is a known mechanism of disease; Not observed at significant frequency in large population cohorts (gnomAD); This variant is associated with the following publications: (PMID: 30043187, 20814824)

Labcorp Genetics (formerly Invitae), Labcorp
Classification: Pathogenic for Pyridoxine-dependent epilepsy. Last evaluated: 2022-07-26. Review status: criteria provided, single submitter. Criteria: Invitae Variant Classification Sherloc (09022015). Collection method: clinical testing. Allele origin: germline.
Comment: For these reasons, this variant has been classified as Pathogenic. ClinVar contains an entry for this variant (Variation ID: 863921). This variant is also known as c.1217_1218 delAT. This premature translational stop signal has been observed in individual(s) with pyridoxine-dependent epilepsy (PMID: 20814824, 23350806). This variant is present in population databases (rs753671880, gnomAD 0.006%). This sequence change creates a premature translational stop signal (p.Tyr434Cysfs*3) in the ALDH7A1 gene. It is expected to result in an absent or disrupted protein product. Loss-of-function variants in ALDH7A1 are known to be pathogenic (PMID: 16491085, 20554659).

North West Genomic Laboratory Hub, Manchester University NHS Foundation Trust
Classification: Pathogenic for Pyridoxine-dependent epilepsy. Last evaluated: 2021-01-18. Review status: criteria provided, single submitter. Criteria: ACMG Guidelines, 2015. Collection method: clinical testing. Allele origin: germline. Affected: yes.
Comment: Criteria Codes: PVS1 PM2 PM3

Blueprint Genetics
Classification: Likely pathogenic for ALDH7A1-related disorders. Last evaluated: 2021-01-08. Review status: criteria provided, single submitter. Criteria: ACMG Guidelines, 2015. Collection method: clinical testing. Allele origin: germline. Affected: yes. Observed: 1 variant allele.

Institute of Human Genetics, University of Leipzig Medical Center
Classification: Likely pathogenic for Pyridoxine-dependent epilepsy. Last evaluated: 2019-01-01. Review status: criteria provided, single submitter. Criteria: ACMG Guidelines, 2015. Collection method: clinical testing. Allele origin: unknown. Affected: yes.

Literature cited by the submitters: PubMed 20814824 (cited by Labcorp Genetics (formerly Invitae), Labcorp and North West Genomic Laboratory Hub, Manchester University NHS Foundation Trust); PubMed 23350806 (cited by Labcorp Genetics (formerly Invitae), Labcorp and North West Genomic Laboratory Hub, Manchester University NHS Foundation Trust); PubMed 16491085 (cited by Labcorp Genetics (formerly Invitae), Labcorp); PubMed 20554659 (cited by Labcorp Genetics (formerly Invitae), Labcorp); PubMed 30043187 (cited by North West Genomic Laboratory Hub, Manchester University NHS Foundation Trust); PubMed 19128417 (cited by North West Genomic Laboratory Hub, Manchester University NHS Foundation Trust).